The following is an entry in ClinVar:

NM_001374828.1(ARID1B):c.606_635del (p.Gln205_Gln214del)

Genes: ARID1B (AT-rich interaction domain 1B; plus strand), LOC115308161 (uncharacterized LOC115308161; minus strand). Cytogenetic location: 6q25.3.
Variant type: Deletion.
Coding change: c.606_635del on transcript NM_001374828.1 (MANE Select); coding-DNA positions 606 to 635, 30 bases deleted (GCAGCAACAGCAGCAGCAGCAGCAGCAGCA).
Protein change: p.Gln205_Gln214del.
Molecular consequence: inframe deletion. On other transcripts: non-coding transcript variant (1), inframe indel (3).
Genome position (GRCh38, 1-based): chr6:156,778,286-156,778,315, GCAGCAACAGCAGCAGCAGCAGCAGCAGCA deleted; deleting any 30 consecutive bases within chr6:156,778,269-156,778,315 gives the same sequence; the c. name uses the placement nearest the transcript's 3' end. VCF-style (leftmost placement, unchanged base first): chr6-156778268-CCAGCAGCAGCAGCAGCAGCAGCAACAGCAG-C. GRCh37 (hg19) VCF-style: chr6-157099402-CCAGCAGCAGCAGCAGCAGCAGCAACAGCAG-C.
Other names: c.357_386del30, p.Gln122_Gln131del (NM_001346813.1, NM_020732.3); c.183_212del30, p.Gln64_Gln73del (NM_175863.2); c.606_635del, p.Gln205_Gln214del (NM_001371656.1, NM_001374820.1, NM_017519.3).
Identifiers: ClinVar variation 2197160 (VCV002197160.4), dbSNP rs910569810, ClinGen allele CA913109709.

ClinVar aggregate classification (germline): Uncertain significance (1 of 4 stars; one submission).

Submission:

Labcorp Genetics (formerly Invitae), Labcorp
Classification: Uncertain significance. Last evaluated: 2022-06-14. Review status: criteria provided, single submitter. Criteria: Invitae Variant Classification Sherloc (09022015). Collection method: clinical testing. Allele origin: germline.
Comment: This variant, c.357_386del, results in the deletion of 10 amino acid(s) of the ARID1B protein (p.Gln122_Gln131del), but otherwise preserves the integrity of the reading frame. This variant is not present in population databases (gnomAD no frequency). This variant has not been reported in the literature in individuals affected with ARID1B-related conditions. Experimental studies and prediction algorithms are not available or were not evaluated, and the functional significance of this variant is currently unknown. In summary, the available evidence is currently insufficient to determine the role of this variant in disease. Therefore, it has been classified as a Variant of Uncertain Significance.